The following is an entry in ClinVar:

NM_000222.3(KIT):c.1384C>A (p.Leu462Ile)

Gene: KIT (KIT proto-oncogene, receptor tyrosine kinase; plus strand). Cytogenetic location: 4q12.
Variant type: single nucleotide variant.
Coding change: c.1384C>A on transcript NM_000222.3 (MANE Select); coding-DNA position 1384, C replaced by A.
Protein change: p.Leu462Ile; replaces leucine 462 with isoleucine.
Molecular consequence: missense variant.
Genome position (GRCh38, 1-based): chr4:54,725,894, C>A. VCF-style: chr4-54725894-C-A. GRCh37 (hg19) VCF-style: chr4-55592060-C-A.
Other names: c.1384C>A, p.Leu462Ile (NM_001093772.2, NM_001385285.1, NM_001385286.1); c.1387C>A, p.Leu463Ile (NM_001385284.1, NM_001385288.1, NM_001385290.1 and 1 more transcripts); short protein forms L462I, L463I.
Identifiers: ClinVar variation 855462 (VCV000855462.11), dbSNP rs1722186242, ClinGen allele CA356906284.

ClinVar aggregate classification (germline): Uncertain significance. Review status: criteria provided, multiple submitters, no conflicts (2 of 4 stars). 2 submissions from 2 submitters: Uncertain significance (2). Last evaluated 2025-05-28.

Conditions:
Gastrointestinal stromal tumor. Also called: Gastrointestinal stromal tumor, somatic; Gastrointestinal stroma tumor. Identifiers: Orphanet 44890, MedGen C0238198, MeSH D046152, MONDO:0011719, OMIM 606764, HP:0100723.
Hereditary cancer-predisposing syndrome. Also called: Neoplastic Syndromes, Hereditary; Tumor predisposition; Hereditary Cancer Syndrome; Hereditary neoplastic syndrome. Identifiers: Orphanet 140162, MedGen C0027672, MeSH D009386, MONDO:0015356.

Submissions (2):

Labcorp Genetics (formerly Invitae), Labcorp
Classification: Uncertain significance for Gastrointestinal stromal tumor. Last evaluated: 2025-05-28. Review status: criteria provided, single submitter. Criteria: Invitae Variant Classification Sherloc (09022015). Collection method: clinical testing. Allele origin: germline.
Comment: This sequence change replaces leucine, which is neutral and non-polar, with isoleucine, which is neutral and non-polar, at codon 462 of the KIT protein (p.Leu462Ile). This variant is not present in population databases (gnomAD no frequency). This variant has not been reported in the literature in individuals affected with KIT-related conditions. ClinVar contains an entry for this variant (Variation ID: 855462). An algorithm developed to predict the effect of missense changes on protein structure and function (PolyPhen-2) suggests that this variant is likely to be tolerated. In summary, the available evidence is currently insufficient to determine the role of this variant in disease. Therefore, it has been classified as a Variant of Uncertain Significance.

Ambry Genetics
Classification: Uncertain significance for Hereditary cancer-predisposing syndrome. Last evaluated: 2023-12-01. Review status: criteria provided, single submitter. Criteria: Ambry Variant Classification Scheme 2023. Collection method: clinical testing. Allele origin: germline.
Comment: The p.L462I variant (also known as c.1384C>A), located in coding exon 9 of the KIT gene, results from a C to A substitution at nucleotide position 1384. The leucine at codon 462 is replaced by isoleucine, an amino acid with highly similar properties. This amino acid position is conserved. In addition, this alteration is predicted to be tolerated by in silico analysis. Since supporting evidence is limited at this time, the clinical significance of this alteration remains unclear.